The following is an entry in ClinVar:

NM_001278064.2(GRM1):c.674C>T (p.Thr225Ile)

Gene: GRM1 (glutamate metabotropic receptor 1; plus strand). Cytogenetic location: 6q24.3.
Variant type: single nucleotide variant.
Coding change: c.674C>T on transcript NM_001278064.2 (MANE Select); coding-DNA position 674, C replaced by T.
Protein change: p.Thr225Ile; replaces threonine 225 with isoleucine.
Molecular consequence: missense variant.
Genome position (GRCh38, 1-based): chr6:146,030,191, C>T. VCF-style: chr6-146030191-C-T. GRCh37 (hg19) VCF-style: chr6-146351327-C-T.
Other names: c.674C>T, p.Thr225Ile (NM_001278065.2, NM_001278066.1, NM_001278067.1); short protein forms T225I.
Identifiers: ClinVar variation 2830840 (VCV002830840.3), dbSNP rs2482540437, ClinGen allele CA365961731.
Genomic context (GRCh38, chr6:146,030,191, plus strand): 5'-TCCCTTCTGACACTTTGCAGGCAAGGGCCATGCTTGACATAGTCAAACGTTACAATTGGA[C>T]CTATGTCTCTGCAGTCCACACGGAAGGTAGGCATTATATTTGGGAAAGAAGGGTACTGAG-3'
Protein context (NP_001264993.1, residues 215-235): MLDIVKRYNW[Thr225Ile]YVSAVHTEGN

ClinVar aggregate classification (germline): Uncertain significance (1 of 4 stars; one submission).

Submission:

Labcorp Genetics (formerly Invitae), Labcorp
Classification: Uncertain significance. Last evaluated: 2023-01-21. Review status: criteria provided, single submitter. Criteria: Invitae Variant Classification Sherloc (09022015). Collection method: clinical testing. Allele origin: germline.
Comment: This sequence change replaces threonine, which is neutral and polar, with isoleucine, which is neutral and non-polar, at codon 225 of the GRM1 protein (p.Thr225Ile). This variant is not present in population databases (gnomAD no frequency). This variant has not been reported in the literature in individuals affected with GRM1-related conditions. Algorithms developed to predict the effect of missense changes on protein structure and function are either unavailable or do not agree on the potential impact of this missense change (SIFT: "Deleterious"; PolyPhen-2: "Possibly Damaging"; Align-GVGD: "Class C0"). In summary, the available evidence is currently insufficient to determine the role of this variant in disease. Therefore, it has been classified as a Variant of Uncertain Significance.